The following is an entry in ClinVar:

ClinVar aggregate classification (germline): Likely pathogenic (1 of 4 stars; one submission).

Conditions:
Oculofaciocardiodental syndrome (MCOPS2). Identifiers: Orphanet 2712, MedGen C1846265, MONDO:0010261, OMIM 300166.

Submission:

Labcorp Genetics (formerly Invitae), Labcorp
Classification: Likely pathogenic for Oculofaciocardiodental syndrome. Last evaluated: 2024-10-07. Review status: criteria provided, single submitter. Criteria: Invitae Variant Classification Sherloc (09022015). Collection method: clinical testing. Allele origin: germline.
Comment: This sequence change affects an acceptor splice site in intron 6 of the BCOR gene. It is expected to disrupt RNA splicing. Variants that disrupt the donor or acceptor splice site typically lead to a loss of protein function (PMID: 16199547), and loss-of-function variants in BCOR are known to be pathogenic (PMID: 15004558, 19367324). This variant is not present in population databases (gnomAD no frequency). This variant has not been reported in the literature in individuals affected with BCOR-related conditions. Algorithms developed to predict the effect of sequence changes on RNA splicing suggest that this variant may disrupt the consensus splice site. In summary, the currently available evidence indicates that the variant is pathogenic, but additional data are needed to prove that conclusively. Therefore, this variant has been classified as Likely Pathogenic.

Literature cited by the submitters: PubMed 16199547; PubMed 15004558; PubMed 19367324.

NM_001123385.2(BCOR):c.3239-2A>C

Gene: BCOR (BCL6 corepressor; minus strand). Cytogenetic location: Xp11.4.
Variant type: single nucleotide variant.
Coding change: c.3239-2A>C on transcript NM_001123385.2 (MANE Select); the canonical splice acceptor site of the intron before coding-DNA position 3239, A replaced by C.
Molecular consequence: splice acceptor variant.
Genome position (GRCh38, 1-based): chrX:40,064,601, T>G on the plus strand (A>C on the coding strand, the complement: BCOR is on the minus strand). VCF-style: chrX-40064601-T-G. GRCh37 (hg19) VCF-style: chrX-39923854-T-G.
Other names: c.3185-2A>C (NM_001123384.2, NM_001438207.1); c.3239-2A>C (NM_001123383.2, NM_001437510.1, NM_001438208.1 and 2 more transcripts).
Identifiers: ClinVar variation 3722382 (VCV003722382.2).
Genomic context (GRCh38, chrX:40,064,601, plus strand): 5'-ATCTTTGTCCTCTGGGGCTTCAAAGGGATCACGGTGCTTGTTTCCAACACTATACTCGCC[T>G]GGGGGAGGGGAGACAAGAGGGCATTAATGAAGCCCGAAGGTCGCCATGAGAAGGCAGGAT-3'